The following is an entry in ClinVar:

ClinVar aggregate classification (germline): Pathogenic (1 of 4 stars; one submission).

Conditions:
Spinal muscular atrophy, type II (SMA2). Also called: MUSCULAR ATROPHY, SPINAL, INFANTILE CHRONIC FORM; MUSCULAR ATROPHY, SPINAL, INTERMEDIATE TYPE; SMA II. Identifiers: Orphanet 70, Orphanet 83418, MedGen C0393538, MONDO:0009673, OMIM 253550.

Submission:

DNA-diagnostics Laboratory, Research Centre For Medical Genetics
Classification: Pathogenic for Spinal muscular atrophy, type II. Last evaluated: 2024-06-04. Review status: criteria provided, single submitter. Criteria: ACMG Guidelines, 2015. Collection method: clinical testing. Allele origin: germline. Inheritance: Autosomal recessive inheritance. Affected: yes.
Comment: The Leu194Serfs*19 variant in the SMN1 gene fulfils the ACMG criteria: PM2, PVS1, PM3, PP4

NM_000344.4(SMN1):c.579del (p.Leu194fs)

Gene: SMN1 (survival of motor neuron 1, telomeric). Cytogenetic location: 5q13.2.
Variant type: Deletion.
Coding change: c.579del on transcript NM_000344.4 (MANE Select); coding-DNA position 579, one base deleted.
Protein change: p.Leu194fs; shifts the reading frame from leucine 194.
Molecular consequence: frameshift variant.
Genome position: GRCh38 VCF-style: chr5-70942818-CT-C. GRCh37 (hg19) VCF-style: chr5-70238645-CT-C.
Other names: c.579del, p.Leu194fs (NM_001297715.1, NM_022874.2); short protein forms L194fs.
Identifiers: ClinVar variation 3239634 (VCV003239634.1), dbSNP rs2532112958.
Genomic context (GRCh38, chr5:70,942,818, plus strand): 5'-ACTCCAGGTCTCCTGGAAATAAATCAGATAACATCAAGCCCAAATCTGCTCCATGGAACT[CT>C]TTTCTCCCTCCACCACCCCCCATGCCAGGGCCAAGACTGGGACCAGGAAAGGTAAACCTT-3'